The following is an entry in ClinVar:

ClinVar aggregate classification (germline): Pathogenic (1 of 4 stars; one submission).

Conditions:
Neuropathy, hereditary sensory, type 2C. Also called: Hereditary sensory and autonomic neuropathy type IIC; KIF1A-Related HSAN2 (HSAN2C). Identifiers: Orphanet 970, MedGen C3280168, MONDO:0013634, OMIM 614213.
Intellectual disability, autosomal dominant 9 (NESCAVS). Also called: NESCAV SYNDROME; KIF1A-Related Neurodevelopmental Disorder. Identifiers: Orphanet 662367, MedGen C5393830, MONDO:0013656, OMIM 614255.
Hereditary spastic paraplegia 30. Identifiers: Orphanet 101010, MedGen C5235139, MONDO:0012476.

Submission:

Labcorp Genetics (formerly Invitae), Labcorp
Classification: Pathogenic for Hereditary spastic paraplegia 30; Neuropathy, hereditary sensory, type 2C; Intellectual disability, autosomal dominant 9. Last evaluated: 2022-08-23. Review status: criteria provided, single submitter. Criteria: Invitae Variant Classification Sherloc (09022015). Collection method: clinical testing. Allele origin: germline.
Comment: Experimental studies have shown that this missense change affects KIF1A function (PMID: 33880452). Advanced modeling of protein sequence and biophysical properties (such as structural, functional, and spatial information, amino acid conservation, physicochemical variation, residue mobility, and thermodynamic stability) performed at Invitae indicates that this missense variant is expected to disrupt KIF1A protein function. This missense change has been observed in individual(s) with autosomal dominant hereditary spastic paraplegia (PMID: 33880452). In at least one individual the variant was observed to be de novo. This variant is not present in population databases (gnomAD no frequency). This sequence change replaces glycine, which is neutral and non-polar, with arginine, which is basic and polar, at codon 251 of the KIF1A protein (p.Gly251Arg). For these reasons, this variant has been classified as Pathogenic.

Literature cited by the submitters: PubMed 33880452.

NM_001244008.2(KIF1A):c.751G>A (p.Gly251Arg)

Gene: KIF1A (kinesin family member 1A; minus strand). Cytogenetic location: 2q37.3.
Variant type: single nucleotide variant.
Coding change: c.751G>A on transcript NM_001244008.2 (MANE Select); coding-DNA position 751, G replaced by A.
Protein change: p.Gly251Arg; replaces glycine 251 with arginine.
Molecular consequence: missense variant.
Genome position (GRCh38, 1-based): chr2:240,783,786, C>T on the plus strand (G>A on the coding strand, the complement: KIF1A is on the minus strand). VCF-style: chr2-240783786-C-T. GRCh37 (hg19) VCF-style: chr2-241723203-C-T.
Other names: c.751G>A, p.Gly251Arg (NM_001320705.2, NM_001330289.2, NM_001330290.2 and 21 more transcripts); short protein forms G251R.
Identifiers: ClinVar variation 2098196 (VCV002098196.4), dbSNP rs2538277599, ClinGen allele CA351303208.